The following is an entry in ClinVar:

NM_001035.3(RYR2):c.1819A>T (p.Asn607Tyr)

Gene: RYR2 (ryanodine receptor 2; plus strand). Cytogenetic location: 1q43.
Variant type: single nucleotide variant.
Coding change: c.1819A>T on transcript NM_001035.3 (MANE Select); coding-DNA position 1819, A replaced by T.
Protein change: p.Asn607Tyr; replaces asparagine 607 with tyrosine.
Molecular consequence: missense variant.
Genome position (GRCh38, 1-based): chr1:237,491,916, A>T. VCF-style: chr1-237491916-A-T. GRCh37 (hg19) VCF-style: chr1-237655216-A-T.
Other names: c.1819A>T, p.Asn607Tyr (LRG_402t1); short protein forms N607Y.
Identifiers: ClinVar variation 422186 (VCV000422186.2), dbSNP rs1064795614, ClinGen allele CA16617101.
Genomic context (GRCh38, chr1:237,491,916, plus strand): 5'-AATATTATTAAAGAAGGACATATTAAATCTATTATCTCACTTTTAGACAAACATGGAAGA[A>T]ATCACAAGGTAAATGAACTATTTTATTTCCCTGAATGAATTCTCAAATCCTTTTAGATAT-3'
Protein context (NP_001026.2, residues 597-617): IISLLDKHGR[Asn607Tyr]HKVLDVLCSL

ClinVar aggregate classification (germline): Uncertain significance (1 of 4 stars; one submission).

Submission:

GeneDx
Classification: Uncertain significance. Last evaluated: 2017-03-20. Review status: criteria provided, single submitter. Criteria: GeneDx Variant Classification (06012015). Collection method: clinical testing. Allele origin: germline. Affected: yes.
Comment: A variant of uncertain significance has been identified in the RYR2 gene. The N607Y variant has not been published as pathogenic or been reported as benign to our knowledge. This variant is not observed in large population cohorts (Lek et al., 2016; 1000 Genomes Consortium et al., 2015; Exome Variant Server). The N607Y variant is a semi-conservative amino acid substitution, which may impact secondary protein structure as these residues differ in some properties. Additionally, this substitution occurs at a position that is conserved across species. Furthermore, in silico analysis predicts this variant is probably damaging to the protein structure/function. Nevertheless, N607Y is not located in one of the three hot-spot regions of the RYR2 gene, where the majority of pathogenic missense variants occur (Medeiros-Domingo et al., 2009).